The following is an entry in ClinVar:

NM_145207.3(AFG2A):c.1748A>G (p.Gln583Arg)

Gene: AFG2A (AAA ATPase AFG2A; plus strand). Cytogenetic location: 4q28.1.
Variant type: single nucleotide variant.
Coding change: c.1748A>G on transcript NM_145207.3 (MANE Select); coding-DNA position 1748, A replaced by G.
Protein change: p.Gln583Arg; replaces glutamine 583 with arginine.
Molecular consequence: missense variant.
Genome position (GRCh38, 1-based): chr4:122,979,265, A>G. VCF-style: chr4-122979265-A-G. GRCh37 (hg19) VCF-style: chr4-123900420-A-G.
Other names: c.1745A>G, p.Gln582Arg (NM_001317799.2, NM_001345856.2); short protein forms Q582R, Q583R.
Identifiers: ClinVar variation 951916 (VCV000951916.6), dbSNP rs371494148, ClinGen allele CA3070540.

ClinVar aggregate classification (germline): Uncertain significance. Review status: criteria provided, multiple submitters, no conflicts (2 of 4 stars). 2 submissions from 2 submitters: Uncertain significance (2). Last evaluated 2025-09-26.

Conditions:
Inborn genetic diseases. Identifiers: MedGen C0950123, MeSH D030342.
Microcephaly-intellectual disability-sensorineural hearing loss-epilepsy-abnormal muscle tone syndrome (NEDHSB). Also called: NEURODEVELOPMENTAL DISORDER WITH HEARING LOSS, SEIZURES, AND BRAIN ABNORMALITIES. Identifiers: Orphanet 457351, MedGen C4225276, MONDO:0014698, OMIM 616577.

Allele frequency attached by ClinVar (database versions not stated): gnomAD 0.00003; gnomAD exomes 0.00007 and 0.00003; ESP Exome Variant Server 0.00008; ExAC 0.00002; TOPMed 0.00006.
gnomAD v4.1: 115 of 1,614,062 alleles (0.0071%); highest among the groups gnomAD compares: Non-Finnish European, 0.0092%; no homozygotes.

Submissions (2):

Ambry Genetics
Classification: Uncertain significance for Inborn genetic diseases. Last evaluated: 2025-09-26. Review status: criteria provided, single submitter. Criteria: Ambry Variant Classification Scheme 2023. Collection method: clinical testing. Allele origin: germline.

Labcorp Genetics (formerly Invitae), Labcorp
Classification: Uncertain significance for Microcephaly-intellectual disability-sensorineural hearing loss-epilepsy-abnormal muscle tone syndrome. Last evaluated: 2024-10-16. Review status: criteria provided, single submitter. Criteria: Invitae Variant Classification Sherloc (09022015). Collection method: clinical testing. Allele origin: germline.
Comment: This sequence change replaces glutamine, which is neutral and polar, with arginine, which is basic and polar, at codon 583 of the SPATA5 protein (p.Gln583Arg). This variant is present in population databases (rs371494148, gnomAD 0.004%). This variant has not been reported in the literature in individuals affected with SPATA5-related conditions. ClinVar contains an entry for this variant (Variation ID: 951916). Invitae Evidence Modeling of protein sequence and biophysical properties (such as structural, functional, and spatial information, amino acid conservation, physicochemical variation, residue mobility, and thermodynamic stability) indicates that this missense variant is not expected to disrupt SPATA5 protein function with a negative predictive value of 95%. In summary, the available evidence is currently insufficient to determine the role of this variant in disease. Therefore, it has been classified as a Variant of Uncertain Significance.